The following is an entry in ClinVar:

NM_152906.7(TANGO2):c.774G>A (p.Met258Ile)

Gene: TANGO2 (transport and golgi organization 2 homolog; plus strand). Cytogenetic location: 22q11.21.
Variant type: single nucleotide variant.
Coding change: c.774G>A on transcript NM_152906.7 (MANE Select); coding-DNA position 774, G replaced by A.
Protein change: p.Met258Ile; replaces methionine 258 with isoleucine.
Molecular consequence: missense variant. On other transcripts: 3 prime UTR variant (7), non-coding transcript variant (5).
Genome position (GRCh38, 1-based): chr22:20,064,605, G>A. VCF-style: chr22-20064605-G-A. GRCh37 (hg19) VCF-style: chr22-20052128-G-A.
Other names: c.774G>A, p.Met258Ile (NM_001283106.3, NM_001283116.3); c.897G>A, p.Met299Ile (NM_001283129.3, NM_001322143.2); c.*13G>A (NM_001283148.3, NM_001283154.3, NM_001322144.2 and 2 more transcripts); c.588G>A, p.Met196Ile (NM_001283179.3, NM_001283186.3, NM_001322163.2 and 2 more transcripts); c.549G>A, p.Met183Ile (NM_001283199.3); c.*41G>A (NM_001283215.3); c.480G>A, p.Met160Ile (NM_001283235.3, NM_001322171.2, NM_001322172.2 and 3 more transcripts); c.*110G>A (NM_001283248.3); and 7 more; short protein forms M183I, M237I, M258I, M276I, M310I, M351I, M160I, M224I.
Identifiers: ClinVar variation 1898057 (VCV001898057.3), dbSNP rs769161204, ClinGen allele CA10106579.

ClinVar aggregate classification (germline): Uncertain significance. Review status: criteria provided, multiple submitters, no conflicts (2 of 4 stars). 2 submissions from 2 submitters: Uncertain significance (2). Last evaluated 2024-03-29.

Conditions:
Inborn genetic diseases. Identifiers: MedGen C0950123, MeSH D030342.

Allele frequency attached by ClinVar (database versions not stated): TOPMed below 0.00001; gnomAD exomes 0.00001; ExAC 0.00002.
gnomAD v4.1: 4 of 1,614,158 alleles (0.00025%); highest among the groups gnomAD compares: East Asian, 0.0089%; no homozygotes.

Submissions (2):

Ambry Genetics
Classification: Uncertain significance for Inborn genetic diseases. Last evaluated: 2024-03-29. Review status: criteria provided, single submitter. Criteria: Ambry Variant Classification Scheme 2023. Collection method: clinical testing. Allele origin: germline.

Labcorp Genetics (formerly Invitae), Labcorp
Classification: Uncertain significance. Last evaluated: 2022-06-25. Review status: criteria provided, single submitter. Criteria: Invitae Variant Classification Sherloc (09022015). Collection method: clinical testing. Allele origin: germline.
Comment: This sequence change replaces methionine, which is neutral and non-polar, with isoleucine, which is neutral and non-polar, at codon 258 of the TANGO2 protein (p.Met258Ile). This variant is present in population databases (rs769161204, gnomAD 0.04%). This variant has not been reported in the literature in individuals affected with TANGO2-related conditions. Algorithms developed to predict the effect of missense changes on protein structure and function output the following: SIFT: "Not Available"; PolyPhen-2: "Benign"; Align-GVGD: "Not Available". The isoleucine amino acid residue is found in multiple mammalian species, which suggests that this missense change does not adversely affect protein function. In summary, the available evidence is currently insufficient to determine the role of this variant in disease. Therefore, it has been classified as a Variant of Uncertain Significance.